The following is an entry in ClinVar:

NM_006230.4(POLD2):c.493G>A (p.Val165Met)

Gene: POLD2 (DNA polymerase delta 2, accessory subunit; minus strand). Cytogenetic location: 7p13.
Variant type: single nucleotide variant.
Coding change: c.493G>A on transcript NM_006230.4 (MANE Select); coding-DNA position 493, G replaced by A.
Protein change: p.Val165Met; replaces valine 165 with methionine.
Molecular consequence: missense variant.
Genome position (GRCh38, 1-based): chr7:44,117,221, C>T on the plus strand (G>A on the coding strand, the complement: POLD2 is on the minus strand). VCF-style: chr7-44117221-C-T. GRCh37 (hg19) VCF-style: chr7-44156820-C-T.
Other names: c.493G>A, p.Val165Met (NM_001127218.3, NM_001256879.2); short protein forms V165M.
Identifiers: ClinVar variation 2080123 (VCV002080123.4), dbSNP rs367702629, ClinGen allele CA4238831.

ClinVar aggregate classification (germline): Uncertain significance (1 of 4 stars; one submission).

gnomAD v4.1: 8 of 1,613,776 alleles (0.0005%); highest among the groups gnomAD compares: African/African-American, 0.0013%; no homozygotes.

Submission:

Labcorp Genetics (formerly Invitae), Labcorp
Classification: Uncertain significance. Last evaluated: 2025-12-20. Review status: criteria provided, single submitter. Criteria: Invitae Variant Classification Sherloc (09022015). Collection method: clinical testing. Allele origin: germline.
Comment: This sequence change replaces valine, which is neutral and non-polar, with methionine, which is neutral and non-polar, at codon 200 of the POLD2 protein (p.Val200Met). This variant is present in population databases (rs367702629, gnomAD 0.004%). This variant has not been reported in the literature in individuals affected with POLD2-related conditions. ClinVar contains an entry for this variant (Variation ID: 2080123). Experimental studies and prediction algorithms are not available or were not evaluated, and the functional significance of this variant is currently unknown. In summary, the available evidence is currently insufficient to determine the role of this variant in disease. Therefore, it has been classified as a Variant of Uncertain Significance.